The following is an entry in ClinVar:

ClinVar aggregate classification (germline): Uncertain significance (1 of 4 stars; one submission).

Conditions:
Hereditary cancer-predisposing syndrome. Also called: Neoplastic Syndromes, Hereditary; Tumor predisposition; Hereditary neoplastic syndrome; Hereditary Cancer Syndrome. Identifiers: Orphanet 140162, MedGen C0027672, MeSH D009386, MONDO:0015356.

Submission:

Ambry Genetics
Classification: Uncertain significance for Hereditary cancer-predisposing syndrome. Last evaluated: 2025-06-07. Review status: criteria provided, single submitter. Criteria: Ambry Variant Classification Scheme 2023. Collection method: clinical testing. Allele origin: germline.
Comment: The p.G482C variant (also known as c.1444G>T), located in coding exon 9 of the MEN1 gene, results from a G to T substitution at nucleotide position 1444. The glycine at codon 482 is replaced by cysteine, an amino acid with highly dissimilar properties. This amino acid position is conserved. In addition, the in silico prediction for this alteration is inconclusive. Based on the available evidence, the clinical significance of this variant remains unclear.

NM_001370259.2(MEN1):c.1444G>T (p.Gly482Cys)

Gene: MEN1 (menin 1; minus strand). Cytogenetic location: 11q13.1.
Variant type: single nucleotide variant.
Coding change: c.1444G>T on transcript NM_001370259.2 (MANE Select); coding-DNA position 1444, G replaced by T.
Protein change: p.Gly482Cys; replaces glycine 482 with cysteine.
Molecular consequence: missense variant. On other transcripts: non-coding transcript variant (4).
Genome position (GRCh38, 1-based): chr11:64,804,723, C>A on the plus strand (G>T on the coding strand, the complement: MEN1 is on the minus strand). VCF-style: chr11-64804723-C-A. GRCh37 (hg19) VCF-style: chr11-64572195-C-A.
Other names: c.1444G>T, p.Gly482Cys (NM_001370260.2, NM_001370261.2, NM_001407146.1 and 2 more transcripts); c.1339G>T, p.Gly447Cys (NM_001370262.2, NM_001370263.2, NM_001407148.1 and 1 more transcripts); c.1570G>T, p.Gly524Cys (NM_001407142.1, NM_001407143.1, NM_001407144.1 and 1 more transcripts); c.1459G>T, p.Gly487Cys (NM_001407145.1, NM_130802.3, NM_130803.3 and 4 more transcripts); c.1585G>T, p.Gly529Cys (NM_001407150.1); c.1465G>T, p.Gly489Cys (NM_001407151.1); c.1279G>T, p.Gly427Cys (NM_001407152.1); short protein forms G482C, G529C, G447C, G487C, G524C, G427C, G489C.
Identifiers: ClinVar variation 4053818 (VCV004053818.1).